The following is an entry in ClinVar:

ClinVar aggregate classification (germline): Uncertain significance (1 of 4 stars; one submission).

Conditions:
Cryopyrin associated periodic syndrome (CAPS). Identifiers: Orphanet 208650, MedGen C2316212, MONDO:0016168.

Submission:

Labcorp Genetics (formerly Invitae), Labcorp
Classification: Uncertain significance for Cryopyrin associated periodic syndrome. Last evaluated: 2025-07-20. Review status: criteria provided, single submitter. Criteria: Invitae Variant Classification Sherloc (09022015). Collection method: clinical testing. Allele origin: germline.
Comment: This sequence change replaces arginine, which is basic and polar, with serine, which is neutral and polar, at codon 80 of the NLRP3 protein (p.Arg80Ser). This variant is not present in population databases (gnomAD no frequency). This variant has not been reported in the literature in individuals affected with NLRP3-related conditions. ClinVar contains an entry for this variant (Variation ID: 2761051). Invitae Evidence Modeling of protein sequence and biophysical properties (such as structural, functional, and spatial information, amino acid conservation, physicochemical variation, residue mobility, and thermodynamic stability) has been performed for this missense variant. However, the output from this modeling did not meet the statistical confidence thresholds required to predict the impact of this variant on NLRP3 protein function. In summary, the available evidence is currently insufficient to determine the role of this variant in disease. Therefore, it has been classified as a Variant of Uncertain Significance.

NM_001243133.2(NLRP3):c.234G>C (p.Arg78Ser)

Gene: NLRP3 (NLR family pyrin domain containing 3; plus strand). Cytogenetic location: 1q44.
Variant type: single nucleotide variant.
Coding change: c.234G>C on transcript NM_001243133.2 (MANE Select); coding-DNA position 234, G replaced by C.
Protein change: p.Arg78Ser; replaces arginine 78 with serine.
Molecular consequence: missense variant.
Genome position (GRCh38, 1-based): chr1:247,419,034, G>C. VCF-style: chr1-247419034-G-C. GRCh37 (hg19) VCF-style: chr1-247582336-G-C.
Other names: c.234G>C, p.Arg78Ser (NM_001079821.3, NM_001127461.3, NM_001127462.3 and 1 more transcripts); c.240G>C, p.Arg80Ser (NM_004895.5); short protein forms R80S, R78S.
Identifiers: ClinVar variation 2761051 (VCV002761051.3), dbSNP rs202232879, ClinGen allele CA345552809.